The following is an entry in ClinVar:

ClinVar aggregate classification (germline): Conflicting classifications of pathogenicity. Review status: criteria provided, conflicting classifications (1 of 4 stars). 3 submissions from 3 submitters: Uncertain significance (1); Likely benign (2). Last evaluated 2026-01-21.

Conditions:
POLD1-related polyposis and colorectal cancer syndrome (CRCS10). Also called: Colorectal cancer, susceptibility to, 10; Colorectal cancer 10; COLORECTAL CANCER, SUSCEPTIBILITY TO, ON CHROMOSOME 19q. Identifiers: Orphanet 220460, MedGen C2675481, MONDO:0012953, OMIM 612591.
Hereditary cancer-predisposing syndrome. Also called: Hereditary Cancer Syndrome; Hereditary neoplastic syndrome; Neoplastic Syndromes, Hereditary; Tumor predisposition. Identifiers: Orphanet 140162, MedGen C0027672, MeSH D009386, MONDO:0015356.

Submissions (3):

Labcorp Genetics (formerly Invitae), Labcorp
Classification: Likely benign for POLD1-related polyposis and colorectal cancer syndrome. Last evaluated: 2026-01-21. Review status: criteria provided, single submitter. Criteria: Invitae Variant Classification Sherloc (09022015). Collection method: clinical testing. Allele origin: germline.

Myriad Genetics, Inc.
Classification: Likely benign for POLD1-related polyposis and colorectal cancer syndrome. Last evaluated: 2025-02-05. Review status: criteria provided, single submitter. Criteria: Myriad Autosomal Dominant, Autosomal Recessive and X-Linked Classification Criteria (2023). Collection method: clinical testing. Allele origin: unknown.
Comment: This variant is considered likely benign. This variant is intronic and is not expected to impact mRNA splicing.

Ambry Genetics
Classification: Uncertain significance for Hereditary cancer-predisposing syndrome. Last evaluated: 2025-01-21. Review status: criteria provided, single submitter. Criteria: Ambry Variant Classification Scheme 2023. Collection method: clinical testing. Allele origin: germline.
Comment: The c.1138-5C>T intronic variant results from a C to T substitution 5 nucleotides upstream from coding exon 9 in the POLD1 gene. This nucleotide position is not well conserved in available vertebrate species. In silico splice site analysis predicts that this alteration will not have any significant effect on splicing. Based on the available evidence, the clinical significance of this variant remains unclear.

NM_002691.4(POLD1):c.1138-5C>T

Gene: POLD1 (DNA polymerase delta 1, catalytic subunit; plus strand). Cytogenetic location: 19q13.33.
Variant type: single nucleotide variant.
Coding change: c.1138-5C>T on transcript NM_002691.4 (MANE Select); 5 bases into the intron before coding-DNA position 1138, C replaced by T.
Molecular consequence: intron variant.
Genome position (GRCh38, 1-based): chr19:50,403,488, C>T. VCF-style: chr19-50403488-C-T. GRCh37 (hg19) VCF-style: chr19-50906745-C-T.
Other names: c.1138-5C>T (NM_001256849.1, NM_001308632.1).
Identifiers: ClinVar variation 793807 (VCV000793807.13), dbSNP rs1374129343, ClinGen allele CA915951927.